The following is an entry in ClinVar:

ClinVar aggregate classification (germline): Uncertain significance. Review status: criteria provided, multiple submitters, no conflicts (2 of 4 stars). 5 submissions from 5 submitters: Uncertain significance (4). 1 of the submissions does not count toward it. Last evaluated 2023-02-08.

Conditions:
Autosomal recessive limb-girdle muscular dystrophy type 2D (LGMDR3). Also called: DUCHENNE-LIKE AUTOSOMAL RECESSIVE MUSCULAR DYSTROPHY, TYPE 2; ADHALINOPATHY, PRIMARY; MUSCULAR DYSTROPHY, LIMB-GIRDLE, AUTOSOMAL RECESSIVE 3. Identifiers: Orphanet 62, MedGen C2936332, MONDO:0011968, OMIM 608099. Disease mechanism: Affects gamma-sarcoglycan and also disrupts the integrity of the entire sarcoglycan complex..

Allele frequency attached by ClinVar (database versions not stated): ExAC 0.00001; gnomAD exomes 0.00001; gnomAD 0.00002 and 0.00003; TOPMed 0.00002.

Submissions (5):

Genome-Nilou Lab
Classification: Uncertain significance for Autosomal recessive limb-girdle muscular dystrophy type 2D. Last evaluated: 2023-02-08. Review status: criteria provided, single submitter. Criteria: ACMG Guidelines, 2015. Collection method: clinical testing. Allele origin: germline.

Labcorp Genetics (formerly Invitae), Labcorp
Classification: Uncertain significance for Autosomal recessive limb-girdle muscular dystrophy type 2D. Last evaluated: 2022-03-18. Review status: criteria provided, single submitter. Criteria: Invitae Variant Classification Sherloc (09022015). Collection method: clinical testing. Allele origin: germline.
Comment: This sequence change replaces alanine, which is neutral and non-polar, with valine, which is neutral and non-polar, at codon 378 of the SGCA protein (p.Ala378Val). This variant is present in population databases (rs751466306, gnomAD 0.003%). This variant has not been reported in the literature in individuals affected with SGCA-related conditions. ClinVar contains an entry for this variant (Variation ID: 290288). Advanced modeling of protein sequence and biophysical properties (such as structural, functional, and spatial information, amino acid conservation, physicochemical variation, residue mobility, and thermodynamic stability) performed at Invitae indicates that this missense variant is expected to disrupt SGCA protein function. In summary, the available evidence is currently insufficient to determine the role of this variant in disease. Therefore, it has been classified as a Variant of Uncertain Significance.

Athena Diagnostics
Classification: Uncertain significance. Last evaluated: 2017-10-23. Review status: criteria provided, single submitter. Criteria: Athena Diagnostics Criteria. Collection method: clinical testing. Allele origin: germline.

Eurofins Ntd Llc (ga)
Classification: Uncertain significance. Last evaluated: 2016-09-12. Review status: criteria provided, single submitter. Criteria: EGL Classification Definitions 2015. Collection method: clinical testing. Allele origin: germline. Observed: 1 variant allele, 1 heterozygote.

Natera, Inc.
Classification: Uncertain significance for Limb-girdle muscular dystrophy type 2D. Last evaluated: 2021-03-09. Review status: no assertion criteria provided. Collection method: clinical testing. Allele origin: germline. Not counted in ClinVar's aggregate classification.

NM_000023.4(SGCA):c.1133C>T (p.Ala378Val)

Gene: SGCA (sarcoglycan alpha; plus strand). Cytogenetic location: 17q21.33.
Variant type: single nucleotide variant.
Coding change: c.1133C>T on transcript NM_000023.4 (MANE Select); coding-DNA position 1133, C replaced by T.
Protein change: p.Ala378Val; replaces alanine 378 with valine.
Molecular consequence: missense variant. On other transcripts: non-coding transcript variant (1).
Genome position (GRCh38, 1-based): chr17:50,175,406, C>T. VCF-style: chr17-50175406-C-T. GRCh37 (hg19) VCF-style: chr17-48252767-C-T.
Other names: c.761C>T, p.Ala254Val (NM_001135697.3); short protein forms A378V, A254V.
Identifiers: ClinVar variation 290288 (VCV000290288.11), dbSNP rs751466306, ClinGen allele CA8644094.